The following is an entry in ClinVar:

ClinVar aggregate classification (germline): Pathogenic/Likely pathogenic. Review status: criteria provided, multiple submitters, no conflicts (2 of 4 stars). 2 submissions from 2 submitters: Pathogenic (1); Likely pathogenic (1). Last evaluated 2025-03-07.

Conditions:
Bethlem myopathy 1A. Also called: Bethlem Muscular Dystrophy; MYOPATHY, BENIGN CONGENITAL, WITH CONTRACTURES; Bethlem myopathy 1. Identifiers: Orphanet 610, MedGen CN029274, MONDO:0024530, OMIM 158810.

Submissions (2):

Labcorp Genetics (formerly Invitae), Labcorp
Classification: Pathogenic for Bethlem myopathy 1A. Last evaluated: 2025-03-07. Review status: criteria provided, single submitter. Criteria: Invitae Variant Classification Sherloc (09022015). Collection method: clinical testing. Allele origin: germline.
Comment: This sequence change replaces glycine, which is neutral and non-polar, with glutamic acid, which is acidic and polar, at codon 278 of the COL6A1 protein (p.Gly278Glu). This variant is not present in population databases (gnomAD no frequency). This missense change has been observed in individual(s) with clinical features of Ullrich congenital muscular dystrophy (PMID: 29419890, 34167565). In at least one individual the variant was observed to be de novo. ClinVar contains an entry for this variant (Variation ID: 285457). Invitae Evidence Modeling of protein sequence and biophysical properties (such as structural, functional, and spatial information, amino acid conservation, physicochemical variation, residue mobility, and thermodynamic stability) indicates that this missense variant is expected to disrupt COL6A1 protein function with a positive predictive value of 80%. This variant disrupts the triple helix domain of COL6A1. Glycine residues within the Gly-Xaa-Yaa repeats of the triple helix domain are required for the structure and stability of fibrillar collagens (PMID: 7695699, 8218237, 19344236). In COL6A1, variants at these glycine residues are significantly enriched in individuals with autosomal dominant disease (PMID: 15689448, 24038877) compared to the general population (ExAC). For these reasons, this variant has been classified as Pathogenic.

Eurofins Ntd Llc (ga)
Classification: Likely pathogenic. Last evaluated: 2017-08-22. Review status: criteria provided, single submitter. Criteria: EGL Classification Definitions 2015. Collection method: clinical testing. Allele origin: germline. Observed: 2 variant alleles, 2 heterozygotes.

Literature cited by the submitters: PubMed 29419890 (cited by Labcorp Genetics (formerly Invitae), Labcorp); PubMed 34167565 (cited by Labcorp Genetics (formerly Invitae), Labcorp); PubMed 7695699 (cited by Labcorp Genetics (formerly Invitae), Labcorp); PubMed 8218237 (cited by Labcorp Genetics (formerly Invitae), Labcorp); PubMed 19344236 (cited by Labcorp Genetics (formerly Invitae), Labcorp); PubMed 15689448 (cited by Labcorp Genetics (formerly Invitae), Labcorp); PubMed 24038877 (cited by Labcorp Genetics (formerly Invitae), Labcorp).

NM_001848.3(COL6A1):c.833G>A (p.Gly278Glu)

Gene: COL6A1 (collagen type VI alpha 1 chain; plus strand). Cytogenetic location: 21q22.3.
Variant type: single nucleotide variant.
Coding change: c.833G>A on transcript NM_001848.3 (MANE Select); coding-DNA position 833, G replaced by A.
Protein change: p.Gly278Glu; replaces glycine 278 with glutamic acid.
Molecular consequence: missense variant.
Genome position (GRCh38, 1-based): chr21:45,989,112, G>A. VCF-style: chr21-45989112-G-A. GRCh37 (hg19) VCF-style: chr21-47409026-G-A.
Other names: short protein forms G278E.
Identifiers: ClinVar variation 285457 (VCV000285457.6), dbSNP rs886043106, ClinGen allele CA10605117.